The following is an entry in ClinVar:

ClinVar aggregate classification (germline): Uncertain significance (1 of 4 stars; one submission).

Conditions:
RYR1-related disorder. Also called: RYR1-related condition; RYR1-related disorders. Identifiers: MedGen CN239331.

Allele frequency attached by ClinVar (database versions not stated): gnomAD 0.00001; gnomAD exomes 0.00001; TOPMed below 0.00001.
gnomAD v4.1: 12 of 1,586,606 alleles (0.00076%); highest among the groups gnomAD compares: Admixed American, 0.0017%; no homozygotes.

Submission:

Labcorp Genetics (formerly Invitae), Labcorp
Classification: Uncertain significance for RYR1-related disorder. Last evaluated: 2021-08-30. Review status: criteria provided, single submitter. Criteria: Invitae Variant Classification Sherloc (09022015). Collection method: clinical testing. Allele origin: germline.
Comment: This sequence change falls in intron 54 of the RYR1 gene. It does not directly change the encoded amino acid sequence of the RYR1 protein. This variant is not present in population databases (ExAC no frequency). This variant has not been reported in the literature in individuals affected with RYR1-related conditions. Algorithms developed to predict the effect of sequence changes on RNA splicing suggest that this variant may create or strengthen a splice site. In summary, the available evidence is currently insufficient to determine the role of this variant in disease. Therefore, it has been classified as a Variant of Uncertain Significance.

NM_000540.3(RYR1):c.8541+8C>T

Genes: RYR1 (ryanodine receptor 1; plus strand), LOC126862902 (BRD4-independent group 4 enhancer GRCh37_chr19:38995830-38997029; plus strand). Cytogenetic location: 19q13.2.
Variant type: single nucleotide variant.
Coding change: c.8541+8C>T on transcript NM_000540.3 (MANE Select); 8 bases into the intron after coding-DNA position 8541, C replaced by T.
Molecular consequence: intron variant.
Genome position (GRCh38, 1-based): chr19:38,505,954, C>T. VCF-style: chr19-38505954-C-T. GRCh37 (hg19) VCF-style: chr19-38996594-C-T.
Other names: c.8541+8C>T (NM_001042723.2).
Identifiers: ClinVar variation 1390811 (VCV001390811.5), dbSNP rs1308144597, ClinGen allele CA632875456.